The following is an entry in ClinVar:

ClinVar aggregate classification (germline): Conflicting classifications of pathogenicity. Review status: criteria provided, conflicting classifications (1 of 4 stars). 5 submissions from 5 submitters: Uncertain significance (2); Likely benign (3). Last evaluated 2026-09-03.

Conditions:
Ehlers-Danlos syndrome, classic type (cEDS). Identifiers: Orphanet 287, MedGen C4225429, MONDO:0007522.
Familial thoracic aortic aneurysm and aortic dissection (TAAD). Also called: Thoracic aortic aneurysms and dissections. Identifiers: Orphanet 91387, MedGen C4707243, MONDO:0019625.
Ehlers-Danlos syndrome, classic type, 1 (EDSCL1). Also called: Ehlers-Danlos syndrome, type 1; Ehlers-Danlos Syndrome, Classic Type, COL5A1-Related; EDS I; EHLERS-DANLOS SYNDROME, GRAVIS TYPE; EHLERS-DANLOS SYNDROME, SEVERE CLASSIC TYPE. Identifiers: MedGen C0268335, MONDO:0019567, OMIM 130000.

Allele frequency attached by ClinVar (database versions not stated): gnomAD exomes 0.00001 and 0.00006; ExAC 0.00009; ESP Exome Variant Server 0.00015; TOPMed 0.00015; gnomAD 0.00017 and 0.00019.
gnomAD v4.1: 54 of 1,613,848 alleles (0.0033%); highest among the groups gnomAD compares: African/African-American, 0.04%; no homozygotes.

Submissions (5):

GeneDx
Classification: Uncertain significance. Last evaluated: 2026-09-03. Review status: criteria provided, single submitter. Criteria: GeneDx Variant Classification Process June 2021. Collection method: clinical testing. Allele origin: germline.
Comment: Has not been previously published as pathogenic or benign to our knowledge; In silico analysis suggests that this missense variant does not alter protein structure/function; Not located in the triple helical region, where the majority of pathogenic missense variants occur (PMID: 22696272; HGMD); This variant is associated with the following publications: (PMID: 22696272)

Labcorp Genetics (formerly Invitae), Labcorp
Classification: Likely benign for Ehlers-Danlos syndrome, classic type, 1. Last evaluated: 2025-11-17. Review status: criteria provided, single submitter. Criteria: Invitae Variant Classification Sherloc (09022015). Collection method: clinical testing. Allele origin: germline.

Women's Health and Genetics/Laboratory Corporation of America, LabCorp
Classification: Likely benign. Last evaluated: 2025-01-28. Review status: criteria provided, single submitter. Criteria: LabCorp Variant Classification Summary - May 2015. Collection method: clinical testing. Allele origin: germline.
Comment: Variant summary: COL5A2 c.4362T>A (p.Asn1454Lys) results in a non-conservative amino acid change located in the Fibrillar collagens C-terminal domain (IPR000885) of the encoded protein sequence. Three of five in-silico tools predict a damaging effect of the variant on protein function. The variant allele was found at a frequency of 6.4e-05 in 250944 control chromosomes. The observed variant frequency is approximately 2 fold of the estimated maximal expected allele frequency for a pathogenic variant in COL5A2 causing Ehlers-Danlos syndrome, classic type, 2 phenotype (3.1e-05). To our knowledge, no occurrence of c.4362T>A in individuals affected with Ehlers-Danlos syndrome, classic type, 2 and no experimental evidence demonstrating its impact on protein function have been reported. ClinVar contains an entry for this variant (Variation ID: 237777). Based on the evidence outlined above, the variant was classified as likely benign.

Ambry Genetics
Classification: Uncertain significance for Familial thoracic aortic aneurysm and aortic dissection. Last evaluated: 2024-11-12. Review status: criteria provided, single submitter. Criteria: Ambry Variant Classification Scheme 2023. Collection method: clinical testing. Allele origin: germline.
Comment: The p.N1454K variant (also known as c.4362T>A), located in coding exon 54 of the COL5A2 gene, results from a T to A substitution at nucleotide position 4362. The asparagine at codon 1454 is replaced by lysine, an amino acid with similar properties. This amino acid position is well conserved in available vertebrate species. In addition, this alteration is predicted to be tolerated by in silico analysis. Based on the available evidence, the clinical significance of this variant remains unclear.

Blueprint Genetics
Classification: Likely benign. Last evaluated: 2024-05-08. Review status: criteria provided, single submitter. Criteria: ACMG Guidelines, 2015. Collection method: clinical testing. Allele origin: germline.

NM_000393.5(COL5A2):c.4362T>A (p.Asn1454Lys)

Gene: COL5A2 (collagen type V alpha 2 chain; minus strand). Cytogenetic location: 2q32.2.
Variant type: single nucleotide variant.
Coding change: c.4362T>A on transcript NM_000393.5 (MANE Select); coding-DNA position 4362, T replaced by A.
Protein change: p.Asn1454Lys; replaces asparagine 1454 with lysine.
Molecular consequence: missense variant.
Genome position (GRCh38, 1-based): chr2:189,034,208, A>T on the plus strand (T>A on the coding strand, the complement: COL5A2 is on the minus strand). VCF-style: chr2-189034208-A-T. GRCh37 (hg19) VCF-style: chr2-189898934-A-T.
Other names: short protein forms N1454K.
Identifiers: ClinVar variation 237777 (VCV000237777.19), dbSNP rs372170366, ClinGen allele CA2021790.